The following is an entry in ClinVar:

NM_001184880.2(PCDH19):c.1148G>A (p.Arg383His)

Gene: PCDH19 (protocadherin 19; minus strand). Cytogenetic location: Xq22.1.
Variant type: single nucleotide variant.
Coding change: c.1148G>A on transcript NM_001184880.2 (MANE Select); coding-DNA position 1148, G replaced by A.
Protein change: p.Arg383His; replaces arginine 383 with histidine.
Molecular consequence: missense variant.
Genome position (GRCh38, 1-based): chrX:100,407,450, C>T on the plus strand (G>A on the coding strand, the complement: PCDH19 is on the minus strand). VCF-style: chrX-100407450-C-T. GRCh37 (hg19) VCF-style: chrX-99662448-C-T.
Other names: c.1148G>A, p.Arg383His (NM_001105243.2, NM_020766.3); short protein forms R383H.
Identifiers: ClinVar variation 566197 (VCV000566197.9), dbSNP rs1569315006, ClinGen allele CA414003981.

ClinVar aggregate classification (germline): Uncertain significance (1 of 4 stars; one submission).

Conditions:
Developmental and epileptic encephalopathy, 9 (DEE9). Also called: EPILEPSY, FEMALE-RESTRICTED, WITH MENTAL RETARDATION; Early infantile epileptic encephalopathy 9; JUBERG-HELLMAN SYNDROME; PCDH19-Related X-Linked Female-Limited Epilepsy with Mental Retardation. Identifiers: Orphanet 101039, Orphanet 2076, MedGen C1848137, MONDO:0010246, OMIM 300088. Disease mechanism: loss of function.

Allele frequency attached by ClinVar (database versions not stated): gnomAD exomes below 0.00001.
gnomAD v4.1: 5 of 1,212,079 alleles (0.00041%); highest among the groups gnomAD compares: Non-Finnish European, 0.00056%; no homozygotes.

Submission:

Labcorp Genetics (formerly Invitae), Labcorp
Classification: Uncertain significance for Developmental and epileptic encephalopathy, 9. Last evaluated: 2025-03-19. Review status: criteria provided, single submitter. Criteria: Invitae Variant Classification Sherloc (09022015). Collection method: clinical testing. Allele origin: germline.
Comment: This sequence change replaces arginine, which is basic and polar, with histidine, which is basic and polar, at codon 383 of the PCDH19 protein (p.Arg383His). This variant is not present in population databases (gnomAD no frequency). This variant has not been reported in the literature in individuals affected with PCDH19-related conditions. ClinVar contains an entry for this variant (Variation ID: 566197). Invitae Evidence Modeling of protein sequence and biophysical properties (such as structural, functional, and spatial information, amino acid conservation, physicochemical variation, residue mobility, and thermodynamic stability) indicates that this missense variant is not expected to disrupt PCDH19 protein function with a negative predictive value of 95%. In summary, the available evidence is currently insufficient to determine the role of this variant in disease. Therefore, it has been classified as a Variant of Uncertain Significance.